The following is an entry in ClinVar:

ClinVar aggregate classification (germline): Uncertain significance (1 of 4 stars; one submission).

Conditions:
Familial thoracic aortic aneurysm and aortic dissection (TAAD). Also called: Thoracic aortic aneurysms and dissections. Identifiers: Orphanet 91387, MedGen C4707243, MONDO:0019625.

Submission:

Labcorp Genetics (formerly Invitae), Labcorp
Classification: Uncertain significance for Familial thoracic aortic aneurysm and aortic dissection. Last evaluated: 2024-05-30. Review status: criteria provided, single submitter. Criteria: Invitae Variant Classification Sherloc (09022015). Collection method: clinical testing. Allele origin: germline.
Comment: This sequence change replaces aspartic acid, which is acidic and polar, with asparagine, which is neutral and polar, at codon 269 of the TGFBR1 protein (p.Asp269Asn). This variant also falls at the last nucleotide of exon 4, which is part of the consensus splice site for this exon. This variant is not present in population databases (gnomAD no frequency). This variant has been observed in individuals referred for testing for Loeys-Dietz syndrome (PMID: 27879313). ClinVar contains an entry for this variant (Variation ID: 580467). An algorithm developed to predict the effect of missense changes on protein structure and function (PolyPhen-2) suggests that this variant is likely to be disruptive. Variants that disrupt the consensus splice site are a relatively common cause of aberrant splicing (PMID: 17576681, 9536098). Algorithms developed to predict the effect of sequence changes on RNA splicing suggest that this variant may disrupt the consensus splice site. In summary, the available evidence is currently insufficient to determine the role of this variant in disease. Therefore, it has been classified as a Variant of Uncertain Significance.

Literature cited by the submitters: PubMed 27879313; PubMed 17576681; PubMed 9536098.

NM_004612.4(TGFBR1):c.805G>A (p.Asp269Asn)

Gene: TGFBR1 (transforming growth factor beta receptor 1; plus strand). Cytogenetic location: 9q22.33.
Variant type: single nucleotide variant.
Coding change: c.805G>A on transcript NM_004612.4 (MANE Select); coding-DNA position 805, G replaced by A.
Protein change: p.Asp269Asn; replaces aspartic acid 269 with asparagine.
Molecular consequence: missense variant.
Genome position (GRCh38, 1-based): chr9:99,138,089, G>A. VCF-style: chr9-99138089-G-A. GRCh37 (hg19) VCF-style: chr9-101900371-G-A.
Other names: c.574G>A, p.Asp192Asn (NM_001130916.3); c.817G>A, p.Asp273Asn (NM_001306210.2); short protein forms D269N, D273N, D192N.
Identifiers: ClinVar variation 580467 (VCV000580467.11), dbSNP rs1564162124, ClinGen allele CA374230372.